The following is an entry in ClinVar:

ClinVar aggregate classification (germline): Uncertain significance. Review status: criteria provided, multiple submitters, no conflicts (2 of 4 stars). 2 submissions from 2 submitters: Uncertain significance (2). Last evaluated 2023-09-18.

Conditions:
Inborn genetic diseases. Identifiers: MedGen C0950123, MeSH D030342.
Dyskeratosis congenita, autosomal dominant 6 (DKCA6). Identifiers: Orphanet 3322, MedGen C4225284, MONDO:0014690, OMIM 616553.

Allele frequency attached by ClinVar (database versions not stated): gnomAD exomes below 0.00001; ExAC 0.00001; gnomAD 0.00001; TOPMed 0.00003.
gnomAD v4.1: 2 of 1,610,430 alleles (0.00012%); highest among the groups gnomAD compares: African/African-American, 0.0027%; no homozygotes.

Submissions (2):

Ambry Genetics
Classification: Uncertain significance for Inborn genetic diseases. Last evaluated: 2023-09-18. Review status: criteria provided, single submitter. Criteria: Ambry Variant Classification Scheme 2023. Collection method: clinical testing. Allele origin: germline.
Comment: The p.P426A variant (also known as c.1276C>G), located in coding exon 10 of the ACD gene, results from a C to G substitution at nucleotide position 1276. The proline at codon 426 is replaced by alanine, an amino acid with highly similar properties. This amino acid position is conserved. In addition, this alteration is predicted to be tolerated by in silico analysis. Since supporting evidence is limited at this time, the clinical significance of this alteration remains unclear.

Labcorp Genetics (formerly Invitae), Labcorp
Classification: Uncertain significance for Dyskeratosis congenita, autosomal dominant 6. Last evaluated: 2022-08-23. Review status: criteria provided, single submitter. Criteria: Invitae Variant Classification Sherloc (09022015). Collection method: clinical testing. Allele origin: germline.
Comment: This variant is present in population databases (rs745338439, gnomAD 0.007%). In summary, the available evidence is currently insufficient to determine the role of this variant in disease. Therefore, it has been classified as a Variant of Uncertain Significance. Algorithms developed to predict the effect of missense changes on protein structure and function (SIFT, PolyPhen-2, Align-GVGD) all suggest that this variant is likely to be tolerated. ClinVar contains an entry for this variant (Variation ID: 937700). This variant has not been reported in the literature in individuals affected with ACD-related conditions. This sequence change replaces proline, which is neutral and non-polar, with alanine, which is neutral and non-polar, at codon 426 of the ACD protein (p.Pro426Ala).

NM_001082486.2(ACD):c.1018C>G (p.Pro340Ala)

Gene: ACD (ACD shelterin complex subunit and telomerase recruitment factor; minus strand). Cytogenetic location: 16q22.1.
Variant type: single nucleotide variant.
Coding change: c.1018C>G on transcript NM_001082486.2 (MANE Select); coding-DNA position 1018, C replaced by G.
Protein change: p.Pro340Ala; replaces proline 340 with alanine.
Molecular consequence: missense variant.
Genome position (GRCh38, 1-based): chr16:67,658,174, G>C on the plus strand (C>G on the coding strand, the complement: ACD is on the minus strand). VCF-style: chr16-67658174-G-C. GRCh37 (hg19) VCF-style: chr16-67692077-G-C.
Other names: c.1009C>G, p.Pro337Ala (NM_022914.3); short protein forms P337A, P340A.
Identifiers: ClinVar variation 937700 (VCV000937700.11), dbSNP rs745338439, ClinGen allele CA8114459.